The following is an entry in ClinVar:

ClinVar aggregate classification (germline): Uncertain significance (1 of 4 stars; one submission).

Submission:

GeneDx
Classification: Uncertain significance. Last evaluated: 2025-05-29. Review status: criteria provided, single submitter. Criteria: GeneDx Variant Classification Process June 2021. Collection method: clinical testing. Allele origin: germline. Affected: yes.
Comment: Not observed at significant frequency in large population cohorts (gnomAD); In silico analysis supports that this missense variant has a deleterious effect on protein structure/function; Has not been previously published as pathogenic or benign to our knowledge

NM_001458.5(FLNC):c.3182A>T (p.Asp1061Val)

Gene: FLNC (filamin C; plus strand). Cytogenetic location: 7q32.1.
Variant type: single nucleotide variant.
Coding change: c.3182A>T on transcript NM_001458.5 (MANE Select); coding-DNA position 3182, A replaced by T.
Protein change: p.Asp1061Val; replaces aspartic acid 1061 with valine.
Molecular consequence: missense variant.
Genome position (GRCh38, 1-based): chr7:128,844,256, A>T. VCF-style: chr7-128844256-A-T. GRCh37 (hg19) VCF-style: chr7-128484310-A-T.
Other names: c.3182A>T, p.Asp1061Val (NM_001127487.2); short protein forms D1061V.
Identifiers: ClinVar variation 4532660 (VCV004532660.1).